The following is an entry in ClinVar:

ClinVar aggregate classification (germline): Likely pathogenic. Review status: criteria provided, multiple submitters, no conflicts (2 of 4 stars). 2 submissions from 2 submitters: Likely pathogenic (2). Last evaluated 2024-10-18.

Conditions:
BBS7-related disorder. Also called: BBS7-related condition.
Bardet-Biedl syndrome 7 (BBS7). Identifiers: Orphanet 110, MedGen C1859565, MONDO:0014435, OMIM 615984.

Submissions (2):

PreventionGenetics, part of Exact Sciences
Classification: Likely pathogenic for BBS7-related condition. Last evaluated: 2024-10-18. Review status: criteria provided, single submitter. Criteria: ACMG Guidelines, 2015. Collection method: clinical testing. Allele origin: germline.
Comment: The BBS7 c.328delA variant is predicted to result in a frameshift and premature protein termination (p.Ser110Alafs*41). To our knowledge, this variant has not been reported in the literature in patients with BBS7-related disorders. This variant is reported in 0.0062% of alleles in individuals of African descent in gnomAD. Frameshift variants in BBS7 are expected to be pathogenic. This variant is interpreted as likely pathogenic.

Fulgent Genetics
Classification: Likely pathogenic for Bardet-Biedl syndrome 7. Last evaluated: 2024-06-15. Review status: criteria provided, single submitter. Criteria: ACMG Guidelines, 2015. Collection method: clinical testing. Allele origin: germline.

NM_176824.3(BBS7):c.328del (p.Ser110fs)

Gene: BBS7 (Bardet-Biedl syndrome 7; minus strand). Cytogenetic location: 4q27.
Variant type: Deletion.
Coding change: c.328del on transcript NM_176824.3 (MANE Select); coding-DNA position 328, one base deleted (A; older notation c.328delA).
Protein change: p.Ser110fs; shifts the reading frame from serine 110.
Molecular consequence: frameshift variant.
Genome position (GRCh38, 1-based): chr4:121,861,517, T deleted on the plus strand (A on the coding strand, the reverse complement: BBS7 is on the minus strand); the first of 3 consecutive T bases (chr4:121,861,517-121,861,519); deleting any one gives the same sequence. VCF-style (leftmost placement, unchanged base first): chr4-121861516-CT-C. GRCh37 (hg19) VCF-style: chr4-122782671-CT-C.
Other names: c.328del, p.Ser110fs (NM_018190.4); c.328delA (NM_176824.2); short protein forms S110fs.
Identifiers: ClinVar variation 2680086 (VCV002680086.4), dbSNP rs1430683955, ClinGen allele CA554524363.